The following is an entry in ClinVar:

ClinVar aggregate classification (germline): Likely benign (3 of 4 stars; one submission).

Conditions:
Breast-ovarian cancer, familial, susceptibility to, 1 (BROVCA1). Also called: BRCA1 Hereditary Breast and Ovarian Cancer; OVARIAN CANCER, SUSCEPTIBILITY TO. Identifiers: Orphanet 145, MedGen C2676676, MONDO:0011450, OMIM 604370. Disease mechanism: loss of function.

Submission:

Evidence-based Network for the Interpretation of Germline Mutant Alleles (ENIGMA)
Classification: Likely benign for Breast-ovarian cancer, familial, susceptibility to, 1. Last evaluated: 2017-06-29. Review status: reviewed by expert panel. Criteria: ENIGMA BRCA1/2 Classification Criteria (2017-06-29). Collection method: curation. Allele origin: germline.
Comment: Synonymous substitution variant, with low bioinformatic likelihood to result in a splicing aberration (Splicing prior probability 0.02).

NM_007294.4(BRCA1):c.1335A>G (p.Glu445=)

Gene: BRCA1 (BRCA1 DNA repair associated; minus strand). Cytogenetic location: 17q21.31.
Variant type: single nucleotide variant.
Coding change: c.1335A>G on transcript NM_007294.4 (MANE Select); coding-DNA position 1335, A replaced by G.
Protein change: p.Glu445=; no amino-acid change (glutamic acid 445 retained).
Molecular consequence: synonymous variant. On other transcripts: intron variant (137).
Genome position (GRCh38, 1-based): chr17:43,094,196, T>C on the plus strand (A>G on the coding strand, the complement: BRCA1 is on the minus strand). VCF-style: chr17-43094196-T-C. GRCh37 (hg19) VCF-style: chr17-41246213-T-C.
Other names: c.1335A>G, p.Glu445= (NM_001407619.1, NM_001407620.1, NM_001407621.1 and 30 more transcripts); c.1332A>G, p.Glu444= (NM_001407627.1, NM_001407628.1, NM_001407629.1 and 22 more transcripts); c.1326A>G, p.Glu442= (NM_001407646.1, NM_001407647.1); c.1212A>G, p.Glu404= (NM_001407648.1, NM_001407664.1, NM_001407665.1 and 19 more transcripts); c.1209A>G, p.Glu403= (NM_001407649.1, NM_001407670.1, NM_001407671.1 and 11 more transcripts); c.1257A>G, p.Glu419= (NM_001407653.1, NM_001407654.1, NM_001407655.1 and 4 more transcripts); c.1254A>G, p.Glu418= (NM_001407659.1, NM_001407660.1, NM_001407661.1 and 1 more transcripts); c.1194A>G, p.Glu398= (NM_001407692.1, NM_001407694.1, NM_001407695.1 and 29 more transcripts); and 40 more.
Identifiers: ClinVar variation 427284 (VCV000427284.4), dbSNP rs1131692094, ClinGen allele CA500233361.